The following is an entry in ClinVar:

ClinVar aggregate classification (germline): Uncertain significance (1 of 4 stars; one submission).

Conditions:
Arthrogryposis, distal, with impaired proprioception and touch (DAIPT). Identifiers: MedGen C4310692, MONDO:0014941, OMIM 617146.

Allele frequency attached by ClinVar (database versions not stated): TOPMed below 0.00001 and 0.00001.

Submission:

Baylor Genetics
Classification: Uncertain significance for Arthrogryposis, distal, with impaired proprioception and touch. Last evaluated: 2020-06-18. Review status: criteria provided, single submitter. Criteria: ACMG Guidelines, 2015. Collection method: clinical testing. Allele origin: unknown. Affected: yes.
Comment: This variant was determined to be of uncertain significance according to ACMG Guidelines, 2015 [PMID:25741868].

NM_001378183.1(PIEZO2):c.719C>T (p.Ser240Phe)

Gene: PIEZO2 (piezo type mechanosensitive ion channel component 2; minus strand). Cytogenetic location: 18p11.22.
Variant type: single nucleotide variant.
Coding change: c.719C>T on transcript NM_001378183.1 (MANE Select); coding-DNA position 719, C replaced by T.
Protein change: p.Ser240Phe; replaces serine 240 with phenylalanine.
Molecular consequence: missense variant.
Genome position (GRCh38, 1-based): chr18:10,855,551, G>A on the plus strand (C>T on the coding strand, the complement: PIEZO2 is on the minus strand). VCF-style: chr18-10855551-G-A. GRCh37 (hg19) VCF-style: chr18-10855549-G-A.
Other names: c.719C>T, p.Ser240Phe (NM_022068.4); short protein forms S240F.
Identifiers: ClinVar variation 1028749 (VCV001028749.1), dbSNP rs1208056389, ClinGen allele CA402029208.
Genomic context (GRCh38, chr18:10,855,551, plus strand): 5'-CACCAGGACCACCAGGTGCACAGACCCAAAAATACAAAAAAATACACAGATGATGTCAAA[G>A]ACGGCAACATCATGCCTAAGGAAGAGAAACGTAATCACAAAGTCAGGTAGAACTGGAAAT-3'
Protein context (NP_001365112.1, residues 230-250): LLGSSGMMLP[Ser240Phe]LTSSVYFFVF